The following is an entry in ClinVar:

ClinVar aggregate classification (germline): Uncertain significance (1 of 4 stars; one submission).

Conditions:
Progressive myoclonic epilepsy type 5. Identifiers: Orphanet 402082, MedGen C5190799.

Allele frequency attached by ClinVar (database versions not stated): ExAC 0.00001; TOPMed 0.00001; gnomAD 0.00003; gnomAD exomes 0.00005; 1000 Genomes Project 30x 0.00016; 1000 Genomes Project 0.00020.
gnomAD v4.1: 71 of 1,614,164 alleles (0.0044%); highest among the groups gnomAD compares: Non-Finnish European, 0.0053%; no homozygotes.

Submission:

Labcorp Genetics (formerly Invitae), Labcorp
Classification: Uncertain significance for Progressive myoclonic epilepsy type 5. Last evaluated: 2025-04-02. Review status: criteria provided, single submitter. Criteria: Invitae Variant Classification Sherloc (09022015). Collection method: clinical testing. Allele origin: germline.
Comment: This sequence change replaces arginine, which is basic and polar, with glutamine, which is neutral and polar, at codon 295 of the PRICKLE2 protein (p.Arg295Gln). This variant is present in population databases (rs545235523, gnomAD 0.01%). This variant has not been reported in the literature in individuals affected with PRICKLE2-related conditions. ClinVar contains an entry for this variant (Variation ID: 2172792). Invitae Evidence Modeling of protein sequence and biophysical properties (such as structural, functional, and spatial information, amino acid conservation, physicochemical variation, residue mobility, and thermodynamic stability) indicates that this missense variant is not expected to disrupt PRICKLE2 protein function with a negative predictive value of 80%. In summary, the available evidence is currently insufficient to determine the role of this variant in disease. Therefore, it has been classified as a Variant of Uncertain Significance.

NM_198859.4(PRICKLE2):c.884G>A (p.Arg295Gln)

Gene: PRICKLE2 (prickle planar cell polarity protein 2; minus strand). Cytogenetic location: 3p14.1.
Variant type: single nucleotide variant.
Coding change: c.884G>A on transcript NM_198859.4 (MANE Select); coding-DNA position 884, G replaced by A.
Protein change: p.Arg295Gln; replaces arginine 295 with glutamine.
Molecular consequence: missense variant.
Genome position (GRCh38, 1-based): chr3:64,147,606, C>T on the plus strand (G>A on the coding strand, the complement: PRICKLE2 is on the minus strand). VCF-style: chr3-64147606-C-T. GRCh37 (hg19) VCF-style: chr3-64133282-C-T.
Other names: c.884G>A, p.Arg295Gln (NM_001370528.1); short protein forms R295Q.
Identifiers: ClinVar variation 2172792 (VCV002172792.4), dbSNP rs545235523, ClinGen allele CA2479720.